The following is an entry in ClinVar:

ClinVar aggregate classification (germline): Pathogenic. Review status: reviewed by expert panel (3 of 4 stars). 9 submissions from 9 submitters: Pathogenic (1). 8 of the submissions do not count toward it. Last evaluated 2017-12-08.

Conditions:
CFTR-related disorder (CFTR-RD). Also called: CFTR-related condition; CFTR-related disorders. Identifiers: MedGen C5924204, MONDO:7770004.
Cystic fibrosis (CF). Also called: MUCOVISCIDOSIS. Identifiers: Orphanet 586, MedGen C0010674, MONDO:0009061, OMIM 219700. Disease mechanism: loss of function.
Bronchiectasis with or without elevated sweat chloride 1 (BESC1). Also called: Cystic Fibrosis-Like Syndrome. Identifiers: Orphanet 60033, MedGen C2749757, MONDO:0008887, OMIM 211400.

Allele frequency attached by ClinVar (database versions not stated): gnomAD exomes 0.00001 and below 0.00001; TOPMed below 0.00001.
gnomAD v4.1: 13 of 1,613,384 alleles (0.00081%); highest among the groups gnomAD compares: Non-Finnish European, 0.0011%; no homozygotes.

Submissions (9):

CFTR2
Classification: Pathogenic for Cystic fibrosis. Last evaluated: 2017-12-08. Review status: reviewed by expert panel. Criteria: Sosnay PR et al. (Nat Genet 2013). Collection method: research. Allele origin: germline. Affected: yes.

Victorian Clinical Genetics Services, Murdoch Childrens Research Institute
Classification: Pathogenic for Cystic fibrosis. Last evaluated: 2025-12-22. Review status: criteria provided, single submitter. Criteria: ACMG Guidelines, 2015. Collection method: clinical testing. Allele origin: germline. Affected: no. Not counted in ClinVar's aggregate classification.
Comment: This variant is classified as Pathogenic. Evidence in support of pathogenic classification: Variant is present in gnomAD <0.01 for a recessive condition (v4: 13 heterozygote(s), 0 homozygote(s)). - This variant has strong previous evidence of pathogenicity in unrelated individuals. This variant has been classified as pathogenic by the CFTR2 expert panel for cystic fibrosis in ClinVar; Missense variant predicted to be damaging by in silico tool(s) or highly conserved with a major amino acid change. Additional information: Variant is predicted to result in a missense amino acid change from Asp to Gly; This variant is heterozygous; This gene is associated with autosomal recessive disease; Alternative amino acid change(s) at the same position are present in gnomAD (highest allele count: v4 1 heterozygote(s), 0 homozygote(s)). - Variant is located in the annotated ABC transporter domain (DECIPHER); Loss of function is a known mechanism of disease in this gene and is associated with cystic fibrosis (MIM#219700).

Natera, Inc.
Classification: Likely pathogenic for CFTR-related disorders. Last evaluated: 2025-07-03. Review status: criteria provided, single submitter. Criteria: Natera Variant Classification Schema (03/2026). Collection method: clinical testing. Allele origin: germline. Not counted in ClinVar's aggregate classification.
Comment: The c.1538A>G variant in CFTR is a missense variant predicted to cause substitution of aspartic acid to glycine at amino acid 513. This variant is rare in the general population with a frequency below the threshold expected for the associated phenotype(s). This variant has been observed in one or more individuals affected with the associated recessive disease, as either homozygous or compound heterozygous with a second variant (PMID: 30888834, 39151434). Functional studies show that this variant may disrupt protein function (PMID: 38388235, 29805046, 30046002). Computational prediction algorithms indicate this variant is likely to affect gene or protein function. Given the available evidence, this variant is classified as Likely Pathogenic.

Women's Health and Genetics/Laboratory Corporation of America, LabCorp
Classification: Pathogenic for Cystic fibrosis. Last evaluated: 2025-05-12. Review status: criteria provided, single submitter. Criteria: LabCorp Variant Classification Summary - May 2015. Collection method: clinical testing. Allele origin: germline. Not counted in ClinVar's aggregate classification.
Comment: Variant summary: CFTR c.1538A>G (p.Asp513Gly) results in a non-conservative amino acid change in the encoded protein sequence. Algorithms developed to predict the effect of missense changes on protein structure and function all suggest that this variant is likely to be disruptive. The variant allele was found at a frequency of 4e-06 in 251190 control chromosomes (gnomAD). c.1538A>G has been observed in multiple individuals affected with Cystic Fibrosis or CBAVD (e.g., Bienvenu_1998, McCague_2019). These data indicate that the variant is very likely to be associated with disease. At least one publication reports experimental evidence evaluating an impact on protein function. The most pronounced variant effect resulted in approximately 4% of normal chloride channel conductance relative to wild type (e.g., Bihler_2024). ClinVar contains an entry for this variant (Variation ID: 53280). Based on the evidence outlined above, the variant was classified as pathogenic.

Ambry Genetics
Classification: Pathogenic for Cystic fibrosis. Last evaluated: 2025-03-01. Review status: criteria provided, single submitter. Criteria: Ambry Variant Classification Scheme 2023. Collection method: clinical testing. Allele origin: germline. Not counted in ClinVar's aggregate classification.
Comment: The p.D513G pathogenic mutation (also known as c.1538A>G), located in coding exon 11 of the CFTR gene, results from an A to G substitution at nucleotide position 1538. The aspartic acid at codon 513 is replaced by glycine, an amino acid with similar properties. This variant has been identified in the homozygous state and/or in conjunction with other CFTR variant(s) in individual(s) with features consistent with cystic fibrosis; in at least one instance, the variants were identified in trans (Ambry internal data). In an assay testing CFTR function, this variant showed a functionally abnormal result (Bihler H et al. J Cyst Fibros, 2024 Jul;23:664-675). This variant has <10% of wild type quantity and function in The Clinical and Functional TRanslation of CFTR (CFTR2) database (available at CFTR2. Accessed 02/28/2025). This variant has been reported in multiple individuals with an elevated sweat chloride level in The Clinical and Functional TRanslation of CFTR (CFTR2) database (available at CFTR2. Accessed 02/28/2025). This amino acid position is highly conserved in available vertebrate species. In addition, this alteration is predicted to be deleterious by in silico analysis. Based on the supporting evidence, this variant is interpreted as a disease-causing mutation.

Baylor Genetics
Classification: Likely pathogenic for Bronchiectasis with or without elevated sweat chloride 1. Last evaluated: 2024-03-04. Review status: criteria provided, single submitter. Criteria: ACMG Guidelines, 2015. Collection method: clinical testing. Allele origin: unknown. Not counted in ClinVar's aggregate classification.

Labcorp Genetics (formerly Invitae), Labcorp
Classification: Uncertain significance for Cystic fibrosis. Last evaluated: 2022-04-19. Review status: criteria provided, single submitter. Criteria: Invitae Variant Classification Sherloc (09022015). Collection method: clinical testing. Allele origin: germline. Not counted in ClinVar's aggregate classification.
Comment: This sequence change replaces aspartic acid, which is acidic and polar, with glycine, which is neutral and non-polar, at codon 513 of the CFTR protein (p.Asp513Gly). This variant is present in population databases (rs397508225, gnomAD 0.0009%). This missense change has been observed in individual(s) with cystic fibrosis (PMID: 10651488, 23974870, 33572515). ClinVar contains an entry for this variant (Variation ID: 53280). Algorithms developed to predict the effect of missense changes on protein structure and function are either unavailable or do not agree on the potential impact of this missense change (SIFT: "Deleterious"; PolyPhen-2: "Benign"; Align-GVGD: "Class C35"). Experimental studies have shown that this missense change affects CFTR function (PMID: 29805046). Algorithms developed to predict the effect of sequence changes on RNA splicing suggest that this variant may create or strengthen a splice site. In summary, the available evidence is currently insufficient to determine the role of this variant in disease. Therefore, it has been classified as a Variant of Uncertain Significance.

CFTR-France
Classification: Pathogenic for cystic fibrosis; CFTR-related disorders. Last evaluated: 2018-03-09. Review status: criteria provided, single submitter. Criteria: Claustres M et al. (Hum Mutat 2017). Collection method: curation. Allele origin: germline. Affected: yes. Not counted in ClinVar's aggregate classification.
Comment: the variant causes a phenotype but regarding our data, we can't formally attribute it to CF, CFTR-RD or both

ClinVar Staff, National Center for Biotechnology Information (NCBI)
No classification provided. Condition: CFTR-related disorders. Review status: no classification provided. Collection method: literature only. Allele origin: germline. Affected: yes. Not counted in ClinVar's aggregate classification.

Literature cited by the submitters: PubMed 30888834 (cited by Natera, Inc. and Women's Health and Genetics/Laboratory Corporation of America, LabCorp); PubMed 39151434 (cited by Natera, Inc.); PubMed 38388235 (cited by 3 submitters); PubMed 29805046 (cited by Natera, Inc. and Labcorp Genetics (formerly Invitae), Labcorp); PubMed 30046002 (cited by Natera, Inc.); PubMed 10651488 (cited by 3 submitters); PubMed 23974870 (cited by Labcorp Genetics (formerly Invitae), Labcorp); PubMed 33572515 (cited by Labcorp Genetics (formerly Invitae), Labcorp).

NM_000492.4(CFTR):c.1538A>G (p.Asp513Gly)

Genes: CFTR (CF transmembrane conductance regulator; plus strand), CFTR-AS1 (CFTR antisense RNA 1; minus strand). Cytogenetic location: 7q31.2.
Variant type: single nucleotide variant.
Coding change: c.1538A>G on transcript NM_000492.4 (MANE Select); coding-DNA position 1538, A replaced by G.
Protein change: p.Asp513Gly; replaces aspartic acid 513 with glycine.
Molecular consequence: missense variant.
Genome position (GRCh38, 1-based): chr7:117,559,609, A>G. VCF-style: chr7-117559609-A-G. GRCh37 (hg19) VCF-style: chr7-117199663-A-G.
Other names: short protein forms D513G.
Identifiers: ClinVar variation 53280 (VCV000053280.10), dbSNP rs397508225, ClinGen allele CA326529.
Genomic context (GRCh38, chr7:117,559,609, plus strand): 5'-AGTTTTCCTGGATTATGCCTGGCACCATTAAAGAAAATATCATCTTTGGTGTTTCCTATG[A>G]TGAATATAGATACAGAAGCGTCATCAAAGCATGCCAACTAGAAGAGGTAAGAAACTATGT-3'
Protein context (NP_000483.3, residues 503-523): KENIIFGVSY[Asp513Gly]EYRYRSVIKA